The following is an entry in ClinVar:

NM_182643.3(DLC1):c.792C>A (p.Asn264Lys)

Gene: DLC1 (DLC1 Rho GTPase activating protein; minus strand). Cytogenetic location: 8p22.
Variant type: single nucleotide variant.
Coding change: c.792C>A on transcript NM_182643.3 (MANE Select); coding-DNA position 792, C replaced by A.
Protein change: p.Asn264Lys; replaces asparagine 264 with lysine.
Molecular consequence: missense variant. On other transcripts: 5 prime UTR variant (1).
Genome position (GRCh38, 1-based): chr8:13,499,280, G>T on the plus strand (C>A on the coding strand, the complement: DLC1 is on the minus strand). VCF-style: chr8-13499280-G-T. GRCh37 (hg19) VCF-style: chr8-13356789-G-T.
Other names: c.792C>A (NM_182643.2); c.792C>A, p.Asn264Lys (NM_001348081.2, NM_001413124.1, NM_001413125.1 and 1 more transcripts); c.-660C>A (NM_001348082.2); short protein forms N264K.
Identifiers: ClinVar variation 2189995 (VCV002189995.6), dbSNP rs748100448, ClinGen allele CA4639398.

ClinVar aggregate classification (germline): Uncertain significance. Review status: criteria provided, multiple submitters, no conflicts (2 of 4 stars). 3 submissions from 3 submitters: Uncertain significance (3). Last evaluated 2024-04-20.

Conditions:
DLC1-related disorder. Also called: DLC1-related condition.
Colorectal cancer. Also called: Malignant Colorectal Neoplasm; Colorectal cancer, somatic. Identifiers: MedGen C0346629, MONDO:0005575, OMIM 114500.

Allele frequency attached by ClinVar (database versions not stated): gnomAD 0.00004; TOPMed 0.00005.
gnomAD v4.1: 62 of 1,614,018 alleles (0.0038%); highest among the groups gnomAD compares: Non-Finnish European, 0.001%; no homozygotes.

Submissions (3):

Fulgent Genetics
Classification: Uncertain significance for Colorectal cancer. Last evaluated: 2024-04-20. Review status: criteria provided, single submitter. Criteria: ACMG Guidelines, 2015. Collection method: clinical testing. Allele origin: germline.

PreventionGenetics, part of Exact Sciences
Classification: Uncertain significance for DLC1-related condition. Last evaluated: 2022-12-19. Review status: criteria provided, single submitter. Criteria: ACMG Guidelines, 2015. Collection method: clinical testing. Allele origin: germline.
Comment: The DLC1 c.792C>A variant is predicted to result in the amino acid substitution p.Asn264Lys. To our knowledge, this variant has not been reported in the literature. This variant is reported in 0.16% of alleles in individuals of Ashkenazi Jewish descent in gnomAD. At this time, the clinical significance of this variant is uncertain due to the absence of conclusive functional and genetic evidence.

Labcorp Genetics (formerly Invitae), Labcorp
Classification: Uncertain significance. Last evaluated: 2022-03-29. Review status: criteria provided, single submitter. Criteria: Invitae Variant Classification Sherloc (09022015). Collection method: clinical testing. Allele origin: germline.
Comment: This sequence change replaces asparagine, which is neutral and polar, with lysine, which is basic and polar, at codon 264 of the DLC1 protein (p.Asn264Lys). This variant is present in population databases (rs748100448, gnomAD 0.1%), and has an allele count higher than expected for a pathogenic variant. This variant has not been reported in the literature in individuals affected with DLC1-related conditions. Algorithms developed to predict the effect of missense changes on protein structure and function are either unavailable or do not agree on the potential impact of this missense change (SIFT: "Deleterious"; PolyPhen-2: "Benign"; Align-GVGD: "Class C0"). In summary, the available evidence is currently insufficient to determine the role of this variant in disease. Therefore, it has been classified as a Variant of Uncertain Significance.